The following is an entry in ClinVar:

NM_006267.5(RANBP2):c.1117G>C (p.Val373Leu)

Gene: RANBP2 (RAN binding protein 2; plus strand). Cytogenetic location: 2q13.
Variant type: single nucleotide variant.
Coding change: c.1117G>C on transcript NM_006267.5 (MANE Select); coding-DNA position 1117, G replaced by C.
Protein change: p.Val373Leu; replaces valine 373 with leucine.
Molecular consequence: missense variant.
Genome position (GRCh38, 1-based): chr2:108,748,973, G>C. VCF-style: chr2-108748973-G-C. GRCh37 (hg19) VCF-style: chr2-109365429-G-C.
Other names: short protein forms V373L.
Identifiers: ClinVar variation 856931 (VCV000856931.7), dbSNP rs779534152, ClinGen allele CA1822227.

ClinVar aggregate classification (germline): Uncertain significance (1 of 4 stars; one submission).

Conditions:
Familial acute necrotizing encephalopathy (IIAE3). Also called: ENCEPHALOPATHY, ACUTE, INFECTION-INDUCED, SUSCEPTIBILITY TO, 3; Susceptibility to Acute Necrotizing Encephalopathy 1. Identifiers: Orphanet 88619, MedGen C2675556, MONDO:0011953, OMIM 608033.

Allele frequency attached by ClinVar (database versions not stated): ExAC 0.00001; gnomAD exomes 0.00001 and 0.00007; TOPMed 0.00002; gnomAD 0.00003.
gnomAD v4.1: 109 of 1,611,774 alleles (0.0068%); highest among the groups gnomAD compares: Non-Finnish European, 0.009%; no homozygotes.

Submission:

Labcorp Genetics (formerly Invitae), Labcorp
Classification: Uncertain significance for Familial acute necrotizing encephalopathy. Last evaluated: 2019-03-26. Review status: criteria provided, single submitter. Criteria: Invitae Variant Classification Sherloc (09022015). Collection method: clinical testing. Allele origin: germline.
Comment: In summary, the available evidence is currently insufficient to determine the role of this variant in disease. Therefore, it has been classified as a Variant of Uncertain Significance. Algorithms developed to predict the effect of missense changes on protein structure and function are either unavailable or do not agree on the potential impact of this missense change (SIFT: "Deleterious"; PolyPhen-2: "Benign"; Align-GVGD: "Class C25"). This variant has not been reported in the literature in individuals with RANBP2-related conditions. This variant is present in population databases (rs779534152, ExAC 0.001%). This sequence change replaces valine with leucine at codon 373 of the RANBP2 protein (p.Val373Leu). The valine residue is highly conserved and there is a small physicochemical difference between valine and leucine.